The following is an entry in ClinVar:

ClinVar aggregate classification (germline): Likely benign (0 of 4 stars; one submission).

Conditions:
THSD1-related disorder. Also called: THSD1-related condition.

Allele frequency attached by ClinVar (database versions not stated): gnomAD exomes below 0.00001.
gnomAD v4.1: 1 of 1,614,140 alleles (0.000062%); highest among the groups gnomAD compares: Non-Finnish European, 0.000085%; no homozygotes.

Submission:

PreventionGenetics, part of Exact Sciences
Classification: Likely benign for THSD1-related condition. Last evaluated: 2019-05-24. Review status: no assertion criteria provided. Collection method: clinical testing. Allele origin: germline.
Comment: This variant is classified as likely benign based on ACMG/AMP sequence variant interpretation guidelines (Richards et al. 2015 PMID: 25741868, with internal and published modifications).

NM_018676.4(THSD1):c.936G>A (p.Lys312=)

Gene: THSD1 (thrombospondin type 1 domain containing 1; minus strand). Cytogenetic location: 13q14.3.
Variant type: single nucleotide variant.
Coding change: c.936G>A on transcript NM_018676.4 (MANE Select); coding-DNA position 936, G replaced by A.
Protein change: p.Lys312=; no amino-acid change (lysine 312 retained).
Molecular consequence: synonymous variant.
Genome position (GRCh38, 1-based): chr13:52,397,317, C>T on the plus strand (G>A on the coding strand, the complement: THSD1 is on the minus strand). VCF-style: chr13-52397317-C-T. GRCh37 (hg19) VCF-style: chr13-52971452-C-T.
Other names: c.936G>A, p.Lys312= (NM_199263.3).
Identifiers: ClinVar variation 3038735 (VCV003038735.2), dbSNP rs2547604481, ClinGen allele CA484028275.